The following is an entry in ClinVar:

ClinVar aggregate classification (germline): Likely benign (0 of 4 stars; one submission).

Conditions:
MUC16-related disorder. Also called: MUC16-related condition.

Allele frequency attached by ClinVar (database versions not stated): gnomAD exomes 0.00013; ExAC 0.00065; 1000 Genomes Project 0.00100; 1000 Genomes Project 30x 0.00109; gnomAD 0.00177; TOPMed 0.00198; ESP Exome Variant Server 0.00231.

Submission:

PreventionGenetics, part of Exact Sciences
Classification: Likely benign for MUC16-related condition. Last evaluated: 2019-07-12. Review status: no assertion criteria provided. Collection method: clinical testing. Allele origin: germline.
Comment: This variant is classified as likely benign based on ACMG/AMP sequence variant interpretation guidelines (Richards et al. 2015 PMID: 25741868, with internal and published modifications).

NM_001401501.2(MUC16):c.9394C>T (p.Pro3132Ser)

Gene: MUC16 (mucin 16, cell surface associated; minus strand). Cytogenetic location: 19p13.2.
Variant type: single nucleotide variant.
Coding change: c.9394C>T on transcript NM_001401501.2 (MANE Select); coding-DNA position 9394, C replaced by T.
Protein change: p.Pro3132Ser; replaces proline 3132 with serine.
Molecular consequence: missense variant.
Genome position (GRCh38, 1-based): chr19:8,971,865, G>A on the plus strand (C>T on the coding strand, the complement: MUC16 is on the minus strand). VCF-style: chr19-8971865-G-A. GRCh37 (hg19) VCF-style: chr19-9082541-G-A.
Other names: c.9820C>T, p.Pro3274Ser (NM_001414686.1); c.9274C>T, p.Pro3092Ser (NM_001414687.1, NM_024690.2); short protein forms P3092S, P3132S, P3274S.
Identifiers: ClinVar variation 3049639 (VCV003049639.2), dbSNP rs193108124, ClinGen allele CA9171777.